The following is an entry in ClinVar:

ClinVar aggregate classification (germline): Uncertain significance (1 of 4 stars; one submission).

Submission:

Labcorp Genetics (formerly Invitae), Labcorp
Classification: Uncertain significance. Last evaluated: 2025-03-16. Review status: criteria provided, single submitter. Criteria: Invitae Variant Classification Sherloc (09022015). Collection method: clinical testing. Allele origin: germline.
Comment: This sequence change replaces asparagine, which is neutral and polar, with serine, which is neutral and polar, at codon 183 of the CCDC8 protein (p.Asn183Ser). This variant is present in population databases (no rsID available, gnomAD 0.003%). This variant has not been reported in the literature in individuals affected with CCDC8-related conditions. ClinVar contains an entry for this variant (Variation ID: 1975592). An algorithm developed to predict the effect of missense changes on protein structure and function outputs the following: PolyPhen-2: "Benign". The serine amino acid residue is found in multiple mammalian species, which suggests that this missense change does not adversely affect protein function. In summary, the available evidence is currently insufficient to determine the role of this variant in disease. Therefore, it has been classified as a Variant of Uncertain Significance.

NM_032040.5(CCDC8):c.548A>G (p.Asn183Ser)

Gene: CCDC8 (coiled-coil domain containing 8 subunit of 3M complex; minus strand). Cytogenetic location: 19q13.32.
Variant type: single nucleotide variant.
Coding change: c.548A>G on transcript NM_032040.5 (MANE Select); coding-DNA position 548, A replaced by G.
Protein change: p.Asn183Ser; replaces asparagine 183 with serine.
Molecular consequence: missense variant.
Genome position (GRCh38, 1-based): chr19:46,412,263, T>C on the plus strand (A>G on the coding strand, the complement: CCDC8 is on the minus strand). VCF-style: chr19-46412263-T-C. GRCh37 (hg19) VCF-style: chr19-46915520-T-C.
Other names: short protein forms N183S.
Identifiers: ClinVar variation 1975592 (VCV001975592.5), dbSNP rs1352527250, ClinGen allele CA406462341.